The following is an entry in ClinVar:

NM_001035.3(RYR2):c.5917A>G (p.Ile1973Val)

Gene: RYR2 (ryanodine receptor 2; plus strand). Cytogenetic location: 1q43.
Variant type: single nucleotide variant.
Coding change: c.5917A>G on transcript NM_001035.3 (MANE Select); coding-DNA position 5917, A replaced by G.
Protein change: p.Ile1973Val; replaces isoleucine 1973 with valine.
Molecular consequence: missense variant.
Genome position (GRCh38, 1-based): chr1:237,623,765, A>G. VCF-style: chr1-237623765-A-G. GRCh37 (hg19) VCF-style: chr1-237787065-A-G.
Other names: c.5917A>G (NM_001035.2); short protein forms I1973V.
Identifiers: ClinVar variation 922238 (VCV000922238.22), dbSNP rs780681855, ClinGen allele CA087005.

ClinVar aggregate classification (germline): Conflicting classifications of pathogenicity. Review status: criteria provided, conflicting classifications (1 of 4 stars). 7 submissions from 7 submitters: Uncertain significance (6); Likely benign (1). Last evaluated 2026-04-10.

Conditions:
Cardiomyopathy (CMYO). Also called: Cardiomyopathies. Identifiers: Orphanet 167848, MedGen C0878544, MONDO:0004994, HP:0001638. Inheritance: Various modes of inheritance.
Catecholaminergic polymorphic ventricular tachycardia 1. Also called: VENTRICULAR TACHYCARDIA, STRESS-INDUCED POLYMORPHIC 1; RYR2-Related Catecholaminergic Polymorphic Ventricular Tachycardia; VENTRICULAR TACHYCARDIA, CATECHOLAMINERGIC POLYMORPHIC, 1, WITH OR WITHOUT ATRIAL DYSFUNCTION AND/OR DILATED CARDIOMYOPATHY. Identifiers: Orphanet 3286, MedGen C1631597, MONDO:0011484, OMIM 604772.
Arrhythmogenic right ventricular dysplasia 2. Identifiers: MedGen C1832931.
Ventricular arrhythmias due to cardiac ryanodine receptor calcium release deficiency syndrome. Also called: Autosomal dominant cardiac arrhythmia (Kuhn). Identifiers: MedGen C5542154, MONDO:0020745, OMIM 115000.
Cardiovascular phenotype. Identifiers: MedGen CN230736.
Catecholaminergic polymorphic ventricular tachycardia (CVPT). Also called: Catecholamine-induced polymorphic ventricular tachycardia. Identifiers: Orphanet 3286, MedGen C5574922, MONDO:0017990.

Allele frequency attached by ClinVar (database versions not stated): TOPMed 0.00001; gnomAD exomes 0.00002 and 0.00005; ExAC 0.00003.
gnomAD v4.1: 75 of 1,593,660 alleles (0.0047%); highest among the groups gnomAD compares: Non-Finnish European, 0.0061%; no homozygotes.

Submissions (7):

Women's Health and Genetics/Laboratory Corporation of America, LabCorp
Classification: Likely benign. Last evaluated: 2026-04-10. Review status: criteria provided, single submitter. Criteria: LabCorp Variant Classification Summary - May 2015. Collection method: clinical testing. Allele origin: germline.
Comment: Variant summary: RYR2 c.5917A>G (p.Ile1973Val) results in a conservative amino acid change in the encoded protein sequence. Algorithms developed to predict the effect of missense changes on protein structure and function are either unavailable or do not agree on the potential impact of this missense change. The variant allele was found at a frequency of 4.7e-05 in 1593660 control chromosomes, predominantly at a frequency of 6.1e-05 within the Non-Finnish European subpopulation in the gnomAD database. The observed variant frequency within Non-Finnish European control individuals in the gnomAD database exceeds the estimated maximal expected allele frequency for disease-causing variants in RYR2. To our knowledge, no occurrence of c.5917A>G in individuals affected with RYR2-related conditions and no experimental evidence demonstrating its impact on protein function have been reported. ClinVar contains an entry for this variant (Variation ID: 922238). Based on the evidence outlined above, the variant was classified as likely benign.

Labcorp Genetics (formerly Invitae), Labcorp
Classification: Uncertain significance for Catecholaminergic polymorphic ventricular tachycardia 1. Last evaluated: 2026-01-27. Review status: criteria provided, single submitter. Criteria: Invitae Variant Classification Sherloc (09022015). Collection method: clinical testing. Allele origin: germline.
Comment: This sequence change replaces isoleucine, which is neutral and non-polar, with valine, which is neutral and non-polar, at codon 1973 of the RYR2 protein (p.Ile1973Val). This variant is present in population databases (rs780681855, gnomAD 0.006%). This variant has not been reported in the literature in individuals affected with RYR2-related conditions. ClinVar contains an entry for this variant (Variation ID: 922238). An algorithm developed to predict the effect of missense changes on protein structure and function (PolyPhen-2) suggests that this variant is likely to be tolerated. In summary, the available evidence is currently insufficient to determine the role of this variant in disease. Therefore, it has been classified as a Variant of Uncertain Significance.

All of Us Research Program, National Institutes of Health
Classification: Uncertain significance for Catecholaminergic polymorphic ventricular tachycardia. Last evaluated: 2024-07-29. Review status: criteria provided, single submitter. Criteria: ACMG Guidelines, 2015. Collection method: clinical testing. Allele origin: germline. Inheritance: Autosomal dominant inheritance. Observed: 17 variant alleles, 17 heterozygotes.
Comment: Variant of Uncertain Significance due to insufficient evidence: This variant is located in the cytoplasmic domain of the RYR2 protein. Computational prediction tools and conservation analyses are inconclusive regarding the impact of this variant on the protein function. Computational splicing tools suggest that this variant may not impact RNA splicing. To our knowledge, functional assays have not been performed for this variant nor has this variant been reported in individuals affected with cardiovascular disorders in the literature. This variant has been identified in 6/243346 chromosomes in the general population by the Genome Aggregation Database (gnomAD). Available evidence is insufficient to determine the pathogenicity of this variant conclusively.

This study involves interpretation of variants in research participants for the purpose of population health screening. Participant phenotype was not available at the time of variant classification. Additional details can be found in publication PMID: 35346344, PMCID: PMC8962531

Color Diagnostics, LLC DBA Color Health
Classification: Uncertain significance for Cardiomyopathy. Last evaluated: 2024-06-12. Review status: criteria provided, single submitter. Criteria: ACMG Guidelines, 2015. Collection method: clinical testing. Allele origin: germline.
Comment: This missense variant replaces isoleucine with valine at codon 1973 of the RYR2 protein. Computational prediction suggests that this variant may not impact protein structure and function (internally defined REVEL score threshold <= 0.5, PMID: 27666373). To our knowledge, functional studies have not been reported for this variant. This variant has not been reported in individuals affected with RYR2-related disorders in the literature. This variant has been identified in 5/246196 chromosomes in the general population by the Genome Aggregation Database (gnomAD). The available evidence is insufficient to determine the role of this variant in disease conclusively. Therefore, this variant is classified as a Variant of Uncertain Significance.

Pittsburgh Clinical Genomics Laboratory, University of Pittsburgh Medical Center
Classification: Uncertain significance for Catecholaminergic polymorphic ventricular tachycardia 1. Last evaluated: 2023-12-04. Review status: criteria provided, single submitter. Criteria: ACMG Guidelines, 2015. Collection method: clinical testing. Allele origin: germline. Inheritance: Autosomal dominant inheritance. Affected: yes.
Comment: This sequence variant is a single nucleotide substitution (A>G) at coding nucleotide 5917 of the RYR2 gene that results in a isoleucine to valine amino acid change at residue 1973 of the RYR2 protein. This is a previously reported variant (ClinVar) that has not been observed in individuals with a RYR2-related disorder in the published literature, to our knowledge. This variant is present in 5 of 246,196 alleles in the gnomAD population database (0.002%). Multiple bioinformatic tools predict that this isoleucine to valine amino acid change would be damaging, and the Ile1973 residue is strongly conserved across the vertebrate species examined. Studies examining the functiol consequence of this variant have not been published, to our knowledge. At this time, there is insufficient evidence to determine if this variant is pathogenic or benign. Therefore, we consider this a variant of uncertain significance. ACMG Criteria: PM2, PP2, PP3

Ambry Genetics
Classification: Uncertain significance for Cardiovascular phenotype. Last evaluated: 2023-10-25. Review status: criteria provided, single submitter. Criteria: Ambry Variant Classification Scheme 2023. Collection method: clinical testing. Allele origin: germline.
Comment: The p.I1973V variant (also known as c.5917A>G), located in coding exon 39 of the RYR2 gene, results from an A to G substitution at nucleotide position 5917. This variant impacts the first base pair of coding exon 39. The isoleucine at codon 1973 is replaced by valine, an amino acid with highly similar properties. This amino acid position is highly conserved in available vertebrate species. In addition, this alteration is predicted to be tolerated by in silico analysis. Since supporting evidence is limited at this time, the clinical significance of this alteration remains unclear.

Fulgent Genetics
Classification: Uncertain significance for Ventricular arrhythmias due to cardiac ryanodine receptor calcium release deficiency syndrome; Catecholaminergic polymorphic ventricular tachycardia 1. Last evaluated: 2021-10-12. Review status: criteria provided, single submitter. Criteria: ACMG Guidelines, 2015. Collection method: clinical testing. Allele origin: unknown.